The following is an entry in ClinVar:

NM_001457.4(FLNB):c.7328C>G (p.Thr2443Ser)

Genes: FLNB (filamin B; plus strand), FLNB-AS1 (FLNB antisense RNA 1; minus strand). Cytogenetic location: 3p14.3.
Variant type: single nucleotide variant.
Coding change: c.7328C>G on transcript NM_001457.4 (MANE Select); coding-DNA position 7328, C replaced by G.
Protein change: p.Thr2443Ser; replaces threonine 2443 with serine.
Molecular consequence: missense variant.
Genome position (GRCh38, 1-based): chr3:58,168,569, C>G. VCF-style: chr3-58168569-C-G. GRCh37 (hg19) VCF-style: chr3-58154296-C-G.
Other names: c.7295C>G, p.Thr2432Ser (NM_001164318.2); c.7256C>G, p.Thr2419Ser (NM_001164319.2); c.7421C>G, p.Thr2474Ser (NM_001164317.2); short protein forms T2419S, T2432S, T2443S, T2474S.
Identifiers: ClinVar variation 3341358 (VCV003341358.1).

ClinVar aggregate classification (germline): Uncertain significance (1 of 4 stars; one submission).

Conditions:
Larsen syndrome (LRS). Also called: Bilateral dislocation of the knees, pes cavus, cylindrically shaped fingers and characteristic facies; Larsen syndrome (FLNB-LS). Identifiers: Orphanet 503, MedGen C0175778, MONDO:0007875, OMIM 150250. Disease mechanism: loss of function.

gnomAD v4.1: 2 of 1,613,890 alleles (0.00012%); highest among the groups gnomAD compares: African/African-American, 0.0027%; no homozygotes.

Submission:

Neuberg Centre For Genomic Medicine, NCGM
Classification: Uncertain significance for Larsen syndrome. Last evaluated: 2023-05-20. Review status: criteria provided, single submitter. Criteria: ACMG Guidelines, 2015. Collection method: clinical testing. Allele origin: germline. Inheritance: Autosomal dominant inheritance. Affected: yes.
Comment: The observed missense variant c.7328C>G(p.Thr2443Ser) in FLNB gene has not been reported previously as a pathogenic variant nor as a benign variant, to our knowledge. This variant is reported with the allele frequency 0.0004% in the gnomAD Exomes. The amino acid Threonine at position 2443 is changed to a Serine changing protein sequence and it might alter its composition and physico-chemical properties. Multiple lines of computational evidence (Polyphen - Damaging and MutationTaster - Disease causing) predict a damaging effect on protein structure and function for this variant. The residue is conserved by GERP++ and PhyloP across 100 vertebrates. For these reasons, this variant has been classified as Uncertain Significance.